The following is an entry in ClinVar:

NM_015046.7(SETX):c.3387A>C (p.Glu1129Asp)

Gene: SETX (senataxin; minus strand). Cytogenetic location: 9q34.13.
Variant type: single nucleotide variant.
Coding change: c.3387A>C on transcript NM_015046.7 (MANE Select); coding-DNA position 3387, A replaced by C.
Protein change: p.Glu1129Asp; replaces glutamic acid 1129 with aspartic acid.
Molecular consequence: missense variant.
Genome position (GRCh38, 1-based): chr9:132,328,211, T>G on the plus strand (A>C on the coding strand, the complement: SETX is on the minus strand). VCF-style: chr9-132328211-T-G. GRCh37 (hg19) VCF-style: chr9-135203598-T-G.
Other names: c.3387A>C, p.Glu1129Asp (NM_001351527.2, NM_001351528.2); short protein forms E1129D.
Identifiers: ClinVar variation 1730857 (VCV001730857.2), dbSNP rs1846967755, ClinGen allele CA375330687.

ClinVar aggregate classification (germline): Uncertain significance (1 of 4 stars; one submission).

Conditions:
Inborn genetic diseases. Identifiers: MedGen C0950123, MeSH D030342.

Allele frequency attached by ClinVar (database versions not stated): gnomAD exomes below 0.00001; TOPMed below 0.00001.
gnomAD v4.1: 2 of 1,614,192 alleles (0.00012%); highest among the groups gnomAD compares: Non-Finnish European, 0.00017%; no homozygotes.

Submission:

Ambry Genetics
Classification: Uncertain significance for Inborn genetic diseases. Last evaluated: 2019-08-28. Review status: criteria provided, single submitter. Criteria: Ambry Variant Classification Scheme 2023. Collection method: clinical testing. Allele origin: germline.
Comment: The p.E1129D variant (also known as c.3387A>C), located in coding exon 8 of the SETX gene, results from an A to C substitution at nucleotide position 3387. The glutamic acid at codon 1129 is replaced by aspartic acid, an amino acid with highly similar properties. This amino acid position is not well conserved in available vertebrate species. In addition, this alteration is predicted to be tolerated by in silico analysis. Since supporting evidence is limited at this time, the clinical significance of this alteration remains unclear.